The following is an entry in ClinVar:

ClinVar aggregate classification (germline): Uncertain significance (1 of 4 stars; one submission).

Conditions:
Familial isolated arrhythmogenic right ventricular dysplasia. Identifiers: Orphanet 217656, MedGen C4274968, MONDO:0016342.

Allele frequency attached by ClinVar (database versions not stated): TOPMed below 0.00001.
gnomAD v4.1: 1 of 1,614,172 alleles (0.000062%); no homozygotes.

Submission:

All of Us Research Program, National Institutes of Health
Classification: Uncertain significance for Familial isolated arrhythmogenic right ventricular dysplasia. Last evaluated: 2023-11-02. Review status: criteria provided, single submitter. Criteria: ACMG Guidelines, 2015. Collection method: clinical testing. Allele origin: germline. Inheritance: Autosomal dominant inheritance. Observed: 1 variant allele, 1 heterozygote.
Comment: This missense variant replaces threonine with asparagine at codon 300 of the DSC2 protein. Computational prediction suggests that this variant may not impact protein structure and function (internally defined REVEL score threshold <= 0.5, PMID: 27666373). To our knowledge, functional studies have not been reported for this variant. This variant has not been reported in individuals affected with DSC2-related disorders in the literature. This variant has not been identified in the general population by the Genome Aggregation Database (gnomAD). The available evidence is insufficient to determine the role of this variant in disease conclusively. Therefore, this variant is classified as a Variant of Uncertain Significance.

This study involves interpretation of variants in research participants for the purpose of population health screening. Participant phenotype was not available at the time of variant classification. Additional details can be found in publication PMID: 35346344, PMCID: PMC8962531

NM_024422.6(DSC2):c.899C>A (p.Thr300Asn)

Gene: DSC2 (desmocollin 2; minus strand). Cytogenetic location: 18q12.1.
Variant type: single nucleotide variant.
Coding change: c.899C>A on transcript NM_024422.6 (MANE Select); coding-DNA position 899, C replaced by A.
Protein change: p.Thr300Asn; replaces threonine 300 with asparagine.
Molecular consequence: missense variant.
Genome position (GRCh38, 1-based): chr18:31,086,619, G>T on the plus strand (C>A on the coding strand, the complement: DSC2 is on the minus strand). VCF-style: chr18-31086619-G-T. GRCh37 (hg19) VCF-style: chr18-28666582-G-T.
Other names: c.470C>A, p.Thr157Asn (NM_001406506.1, NM_001406507.1); c.899C>A, p.Thr300Asn (NM_004949.5); short protein forms T157N, T300N.
Identifiers: ClinVar variation 3074303 (VCV003074303.1), dbSNP rs1446499468, ClinGen allele CA402111922.
Genomic context (GRCh38, chr18:31,086,619, plus strand): 5'-ATTAATGTTTATGTTACCTCTCTGTCTAGCTGAGATGATGTTGTGGTGATCACGCCTGTA[G>T]TTGGATGCATAGAAAATAGGGTGGGTGATGGTGGCACCTGCCCAATGATGGAGTACTTCA-3'
Protein context (NP_077740.1, residues 290-310): PSPTLFSMHP[Thr300Asn]TGVITTTSSQ